The following is an entry in ClinVar:

ClinVar aggregate classification (germline): Uncertain significance. Review status: criteria provided, single submitter (1 of 4 stars). 2 submissions from 2 submitters: Uncertain significance (1). 1 of the submissions does not count toward it. Last evaluated 2018-03-16.

Conditions:
IL10RA-related disorder. Also called: IL10RA-related condition.
Inflammatory bowel disease 28. Also called: Inflammatory bowel disease 28, early onset, autosomal recessive. Identifiers: Orphanet 238569, MedGen C2751053, MONDO:0013153, OMIM 613148.

Allele frequency attached by ClinVar (database versions not stated): TOPMed 0.00005; ExAC 0.00008; ESP Exome Variant Server 0.00008; gnomAD exomes 0.00008 and 0.00013; gnomAD 0.00013 and 0.00014.
gnomAD v4.1: 209 of 1,611,382 alleles (0.013%); highest among the groups gnomAD compares: Non-Finnish European, 0.016%; no homozygotes.

Submissions (2):

Illumina Laboratory Services, Illumina
Classification: Uncertain significance for Inflammatory bowel disease 28. Last evaluated: 2018-03-16. Review status: criteria provided, single submitter. Criteria: ICSL Variant Classification Criteria 13 December 2019. Collection method: clinical testing. Allele origin: germline.

PreventionGenetics, part of Exact Sciences
Classification: Likely benign for IL10RA-related condition. Last evaluated: 2019-08-14. Review status: no assertion criteria provided. Collection method: clinical testing. Allele origin: germline. Not counted in ClinVar's aggregate classification.
Comment: This variant is classified as likely benign based on ACMG/AMP sequence variant interpretation guidelines (Richards et al. 2015 PMID: 25741868, with internal and published modifications).

NM_001558.4(IL10RA):c.*9G>A

Gene: IL10RA (interleukin 10 receptor subunit alpha; plus strand). Cytogenetic location: 11q23.3.
Variant type: single nucleotide variant.
Coding change: c.*9G>A on transcript NM_001558.4 (MANE Select); 9 bases downstream of the stop codon, G replaced by A.
Molecular consequence: 3 prime UTR variant. On other transcripts: non-coding transcript variant (1).
Genome position (GRCh38, 1-based): chr11:117,999,650, G>A. VCF-style: chr11-117999650-G-A. GRCh37 (hg19) VCF-style: chr11-117870365-G-A.
Identifiers: ClinVar variation 879730 (VCV000879730.6), dbSNP rs377174523, ClinGen allele CA6299233.